The following is an entry in ClinVar:

ClinVar aggregate classification (germline): Uncertain significance. Review status: criteria provided, multiple submitters, no conflicts (2 of 4 stars). 6 submissions from 6 submitters: Uncertain significance (6). Last evaluated 2025-11-05.

Conditions:
Malignant hyperthermia, susceptibility to, 1 (MHS1). Also called: RYR1-Related Malignant Hyperthermia Susceptibility; Anesthesia related hyperthermia; Malignant hyperpyrexia; Fulminating hyperpyrexia; Pharmacogenic myopathy; Malignant hyperthermia suceptibility 1. Identifiers: Orphanet 423, MedGen C2930980, MONDO:0007783, OMIM 145600.
RYR1-related disorder. Also called: RYR1-related disorders; RYR1-related condition. Identifiers: MedGen CN239331.

Allele frequency attached by ClinVar (database versions not stated): gnomAD 0.00003 and 0.00004; gnomAD exomes 0.00003; ExAC 0.00005; TOPMed 0.00006.
gnomAD v4.1: 76 of 1,613,316 alleles (0.0047%); highest among the groups gnomAD compares: Middle Eastern, 0.017%; no homozygotes.

Submissions (6):

Labcorp Genetics (formerly Invitae), Labcorp
Classification: Uncertain significance for RYR1-related disorder. Last evaluated: 2025-11-05. Review status: criteria provided, single submitter. Criteria: Invitae Variant Classification Sherloc (09022015). Collection method: clinical testing. Allele origin: germline.
Comment: This sequence change replaces valine, which is neutral and non-polar, with methionine, which is neutral and non-polar, at codon 974 of the RYR1 protein (p.Val974Met). This variant is present in population databases (rs748676912, gnomAD 0.005%). This missense change has been observed in individual(s) with malignant hyperthermia (PMID: 19191333). ClinVar contains an entry for this variant (Variation ID: 1057344). Invitae Evidence Modeling of protein sequence and biophysical properties (such as structural, functional, and spatial information, amino acid conservation, physicochemical variation, residue mobility, and thermodynamic stability) indicates that this missense variant is not expected to disrupt RYR1 protein function with a negative predictive value of 80%. In summary, the available evidence is currently insufficient to determine the role of this variant in disease. Therefore, it has been classified as a Variant of Uncertain Significance.

Color Diagnostics, LLC DBA Color Health
Classification: Uncertain significance for Malignant hyperthermia, susceptibility to, 1. Last evaluated: 2025-09-22. Review status: criteria provided, single submitter. Criteria: ACMG Guidelines, 2015. Collection method: clinical testing. Allele origin: germline.
Comment: This missense variant replaces valine with methionine at codon 974 of the RYR1 protein. Computational prediction is inconclusive regarding the impact of this variant on protein structure and function. To our knowledge, functional studies have not been reported for this variant. This variant has been reported in two individuals affected with malignant hyperthermia and in one individual who was not found to be susceptible to malignant hyperthermia (PMID: 23558838, 19191333). This variant has been identified in 9/278206 chromosomes in the general population by the Genome Aggregation Database (gnomAD). The available evidence is insufficient to determine the role of this variant in disease conclusively. Therefore, this variant is classified as a Variant of Uncertain Significance.

All of Us Research Program, National Institutes of Health
Classification: Uncertain significance for Malignant hyperthermia, susceptibility to, 1. Last evaluated: 2024-09-23. Review status: criteria provided, single submitter. Criteria: ACMG Guidelines, 2015. Collection method: clinical testing. Allele origin: germline. Inheritance: Autosomal dominant inheritance. Observed: 11 variant alleles, 11 heterozygotes.
Comment: This missense variant replaces valine with methionine at codon 974 of the RYR1 protein. Computational prediction is inconclusive regarding the impact of this variant on protein structure and function (internally defined REVEL score threshold 0.5 < inconclusive < 0.7, PMID: 27666373). To our knowledge, functional studies have not been reported for this variant. This variant has been reported in two individuals affected with malignant hyperthermia and in one individual who was not found to be susceptible to malignant hyperthermia (PMID: 23558838, 19191333). This variant has been identified in 9/278206 chromosomes in the general population by the Genome Aggregation Database (gnomAD). The available evidence is insufficient to determine the role of this variant in disease conclusively. Therefore, this variant is classified as a Variant of Uncertain Significance.

This study involves interpretation of variants in research participants for the purpose of population health screening. Participant phenotype was not available at the time of variant classification. Additional details can be found in publication PMID: 35346344, PMCID: PMC8962531

Revvity Omics, Revvity
Classification: Uncertain significance. Last evaluated: 2022-10-04. Review status: criteria provided, single submitter. Criteria: ACMG Guidelines, 2015. Collection method: clinical testing. Allele origin: germline.

Victorian Clinical Genetics Services, Murdoch Childrens Research Institute
Classification: Uncertain significance for Malignant hyperthermia, susceptibility to, 1. Last evaluated: 2020-10-19. Review status: criteria provided, single submitter. Criteria: ACMG Guidelines, 2015. Collection method: clinical testing. Allele origin: germline. Inheritance: Autosomal dominant inheritance. Affected: yes.
Comment: Based on the classification scheme VCGS_Germline_v1.3.3, this variant is classified as VUS-3C. Following criteria are met: 0103 - Loss of function and gain of function are known mechanisms of disease in this gene and are associated with RYR1-related myopathy. Central core disease and minicore myopathy are associated with loss of function, while a gain of function mechanism has been described in the context of malignant hyperthermia susceptibility (MHS) (PMID: 27855725). (I) 0108 - This gene is associated with both recessive and dominant disease. Autosomal dominant inheritance is associated with central core disease (MIM#117000) or MHS (MIM#145600). Other phenotypes including minicore myopathy (MIM#255320) are associated with autosomal recessive inheritance (PMID: 23919265). (I) 0200 - Variant is predicted to result in a missense amino acid change from valine to methionine. (I) 0251 - This variant is heterozygous. (I) 0302 - Variant is present in gnomAD (v2) <0.001 for a dominant condition (9 heterozygotes, 0 homozygotes). (SP) 0502 - Missense variant with conflicting in silico predictions and uninformative conservation. (I) 0600 - Variant is located in the annotated RYR domain (NCBI). (I) 0705 - No comparable missense variants have previous evidence for pathogenicity. (I) 0806 - This variant has moderate previous evidence of being benign in unrelated individuals. This variant has been described twice as a polymorphism, and observed in both an MHS and a control cohort. Analysis of contracture by caffeine and halothane was inconclusive (PMID: 23558838, PMID: 19191333). (SB) 0905 - No published segregation evidence has been identified for this variant. (I) 1007 - No published functional evidence has been identified for this variant. (I) 1208 - Inheritance information for this variant is not currently available in this individual. (I) Legend: (SP) - Supporting pathogenic, (I) - Information, (SB) - Supporting benign

GeneDx
Classification: Uncertain significance. Last evaluated: 2019-10-29. Review status: criteria provided, single submitter. Criteria: GeneDx Variant Classification Process June 2021. Collection method: clinical testing. Allele origin: germline. Affected: yes.
Comment: Not observed at a significant frequency in large population cohorts (Lek et al., 2016); In silico analysis, which includes protein predictors and evolutionary conservation, supports that this variant does not alter protein structure/function; Identified in patients with malignant hyperthermia in published literature (Zullo et al., 2009; Brandom et al., 2013), but additional clinical information was not included; This variant is associated with the following publications: (PMID: 19191333, 23558838)

Literature cited by the submitters: PubMed 19191333 (cited by 4 submitters); PubMed 23558838 (cited by 3 submitters); PubMed 23919265 (cited by Victorian Clinical Genetics Services, Murdoch Childrens Research Institute); PubMed 27855725 (cited by Victorian Clinical Genetics Services, Murdoch Childrens Research Institute).

NM_000540.3(RYR1):c.2920G>A (p.Val974Met)

Gene: RYR1 (ryanodine receptor 1; plus strand). Cytogenetic location: 19q13.2.
Variant type: single nucleotide variant.
Coding change: c.2920G>A on transcript NM_000540.3 (MANE Select); coding-DNA position 2920, G replaced by A.
Protein change: p.Val974Met; replaces valine 974 with methionine.
Molecular consequence: missense variant.
Genome position (GRCh38, 1-based): chr19:38,466,140, G>A. VCF-style: chr19-38466140-G-A. GRCh37 (hg19) VCF-style: chr19-38956780-G-A.
Other names: c.2920G>A, p.Val974Met (NM_001042723.2); short protein forms V974M.
Identifiers: ClinVar variation 1057344 (VCV001057344.17), dbSNP rs748676912, ClinGen allele CA064196.
Genomic context (GRCh38, chr19:38,466,140, plus strand): 5'-CATGCCCGCAGGTATATGATGAGCAATGGGTACAAGCCGGCTCCGCTGGACCTGAGCCAC[G>A]TGCGGCTGACGCCGGCGCAGACGACACTGGTGGACCGTCTGGCAGAAAATGGGCACAACG-3'
Protein context (NP_000531.2, residues 964-984): YKPAPLDLSH[Val974Met]RLTPAQTTLV